The following is an entry in ClinVar:

ClinVar aggregate classification (germline): Pathogenic (1 of 4 stars; one submission).

Conditions:
Glycine encephalopathy 1 (GCE1). Identifiers: MedGen CN376801, MONDO:0958179, OMIM 605899.

Submission:

Myriad Genetics, Inc.
Classification: Pathogenic for Glycine encephalopathy 1. Last evaluated: 2025-11-27. Review status: criteria provided, single submitter. Criteria: Myriad Autosomal Dominant, Autosomal Recessive and X-Linked Classification Criteria (2023). Collection method: clinical testing. Allele origin: unknown.
Comment: NM_000170.2(GLDC):c.891dupA(A298Sfs*112) is expected to be pathogenic in the context of glycine encephalopathy, GLDC-related. This variant is predicted to lead to an abnormal or absent protein product due to the creation of a premature termination codon in GLDC, a gene where loss-of-function variants are known to be pathogenic. Please note: this variant was assessed in the context of healthy population screening.

NM_000170.3(GLDC):c.891dup (p.Ala298fs)

Gene: GLDC (glycine decarboxylase; minus strand). Cytogenetic location: 9p24.1.
Variant type: Duplication.
Coding change: c.891dup on transcript NM_000170.3 (MANE Select); coding-DNA position 891, one base duplicated (A; older notation c.891dupA).
Protein change: p.Ala298fs; shifts the reading frame from alanine 298.
Molecular consequence: frameshift variant.
Genome position (GRCh38, 1-based): chr9:6,604,755, T duplicated on the plus strand (A on the coding strand, the reverse complement: GLDC is on the minus strand). VCF-style (leftmost placement, unchanged base first): chr9-6604754-C-CT. GRCh37 (hg19) VCF-style: chr9-6604754-C-CT.
Other names: short protein forms A298fs.
Identifiers: ClinVar variation 5015271 (VCV005015271.1).